The following is an entry in ClinVar:

NM_152703.5(SAMD9L):c.4306C>T (p.Pro1436Ser)

Gene: SAMD9L (sterile alpha motif domain containing 9 like; minus strand). Cytogenetic location: 7q21.2.
Variant type: single nucleotide variant.
Coding change: c.4306C>T on transcript NM_152703.5 (MANE Select); coding-DNA position 4306, C replaced by T.
Protein change: p.Pro1436Ser; replaces proline 1436 with serine.
Molecular consequence: missense variant.
Genome position (GRCh38, 1-based): chr7:93,131,666, G>A on the plus strand (C>T on the coding strand, the complement: SAMD9L is on the minus strand). VCF-style: chr7-93131666-G-A. GRCh37 (hg19) VCF-style: chr7-92760979-G-A.
Other names: c.4306C>T, p.Pro1436Ser (NM_001303496.3, NM_001303497.3, NM_001303498.3 and 5 more transcripts); short protein forms P1436S.
Identifiers: ClinVar variation 3949809 (VCV003949809.1).
Genomic context (GRCh38, chr7:93,131,666, plus strand): 5'-TTAAGGATGAAACATACTTTTCTATTAGTTTGGAATCTTGATCTAGCTCTTGATTTTCTG[G>A]CCAGAACAGGAGGCAGGCCAAGAAATAAGGACCTGGATATTGATGACTTAGTCCTACAAA-3'
Protein context (NP_689916.2, residues 1426-1446): PYFLACLLFW[Pro1436Ser]ENQELDQDSK

ClinVar aggregate classification (germline): Uncertain significance (1 of 4 stars; one submission).

Conditions:
Inborn genetic diseases. Identifiers: MedGen C0950123, MeSH D030342.

Submission:

Ambry Genetics
Classification: Uncertain significance for Inborn genetic diseases. Last evaluated: 2025-04-06. Review status: criteria provided, single submitter. Criteria: Ambry Variant Classification Scheme 2023. Collection method: clinical testing. Allele origin: germline.
Comment: The p.P1436S variant (also known as c.4306C>T), located in coding exon 1 of the SAMD9L gene, results from a C to T substitution at nucleotide position 4306. The proline at codon 1436 is replaced by serine, an amino acid with similar properties. This amino acid position is conserved. In addition, this alteration is predicted to be tolerated by in silico analysis. Based on the available evidence, the clinical significance of this variant remains unclear.